The following is an entry in ClinVar:

NM_006147.4(IRF6):c.760G>A (p.Gly254Arg)

Gene: IRF6 (interferon regulatory factor 6; minus strand). Cytogenetic location: 1q32.2.
Variant type: single nucleotide variant.
Coding change: c.760G>A on transcript NM_006147.4 (MANE Select); coding-DNA position 760, G replaced by A.
Protein change: p.Gly254Arg; replaces glycine 254 with arginine.
Molecular consequence: missense variant.
Genome position (GRCh38, 1-based): chr1:209,790,795, C>T on the plus strand (G>A on the coding strand, the complement: IRF6 is on the minus strand). VCF-style: chr1-209790795-C-T. GRCh37 (hg19) VCF-style: chr1-209964140-C-T.
Other names: c.475G>A, p.Gly159Arg (NM_001206696.2); short protein forms G159R, G254R.
Identifiers: ClinVar variation 2951710 (VCV002951710.3), dbSNP rs2464670941, ClinGen allele CA344577446.

ClinVar aggregate classification (germline): Likely pathogenic (1 of 4 stars; one submission).

Conditions:
Popliteal pterygium syndrome (PPS). Identifiers: Orphanet 294963, MedGen C0265259, MONDO:0017435.
Orofacial cleft 6, susceptibility to (OFC6). Also called: CLEFT LIP WITH OR WITHOUT CLEFT PALATE, NONSYNDROMIC, 6. Identifiers: MedGen C1837213, MONDO:0012141, OMIM 608864.
Van der Woude syndrome. Identifiers: Orphanet 888, MedGen C0175697, MONDO:0019508.

Submission:

Labcorp Genetics (formerly Invitae), Labcorp
Classification: Likely pathogenic for Orofacial cleft 6, susceptibility to; Van der Woude syndrome; Popliteal pterygium syndrome. Last evaluated: 2023-10-30. Review status: criteria provided, single submitter. Criteria: Invitae Variant Classification Sherloc (09022015). Collection method: clinical testing. Allele origin: germline.
Comment: This sequence change replaces glycine, which is neutral and non-polar, with arginine, which is basic and polar, at codon 254 of the IRF6 protein (p.Gly254Arg). This variant is not present in population databases (gnomAD no frequency). This missense change has been observed in individual(s) with clinical features of van der Woude syndrome (Invitae). In at least one individual the variant was observed to be de novo. Advanced modeling of protein sequence and biophysical properties (such as structural, functional, and spatial information, amino acid conservation, physicochemical variation, residue mobility, and thermodynamic stability) performed at Invitae indicates that this missense variant is not expected to disrupt IRF6 protein function with a negative predictive value of 80%. In summary, the currently available evidence indicates that the variant is pathogenic, but additional data are needed to prove that conclusively. Therefore, this variant has been classified as Likely Pathogenic.